The following is an entry in ClinVar:

NM_005876.5(SPEG):c.7033del (p.Leu2345fs)

Genes: ASIC4-AS1 (ASIC4 antisense RNA 1; minus strand), SPEG (striated muscle enriched protein kinase; plus strand). Cytogenetic location: 2q35.
Variant type: Deletion.
Coding change: c.7033del on transcript NM_005876.5 (MANE Select); coding-DNA position 7033, one base deleted (C; older notation c.7033delC).
Protein change: p.Leu2345fs; shifts the reading frame from leucine 2345.
Molecular consequence: frameshift variant.
Genome position (GRCh38, 1-based): chr2:219,484,496, C deleted; the last of 4 consecutive C bases (chr2:219,484,493-219,484,496); deleting any one gives the same sequence. VCF-style (leftmost placement, unchanged base first): chr2-219484492-GC-G. GRCh37 (hg19) VCF-style: chr2-220349214-GC-G.
Other names: short protein forms L2345fs.
Identifiers: ClinVar variation 2844822 (VCV002844822.3), dbSNP rs2545942402, ClinGen allele CA2739278632.
Genomic context (GRCh38, chr2:219,484,492, plus strand): 5'-CATCGAAAACTTGGAGTCGGAGGCCGTGTTCGAGGCCAAGTTCAAGCGCAGCCGCGAGTC[GC>G]CCCTGTCGCTGGGGCTGCGGCTGCTGAGCCGTTCGCGCTCGGAGGAGCGCGGCCCCTTCC-3'

ClinVar aggregate classification (germline): Pathogenic (1 of 4 stars; one submission).

Submission:

Labcorp Genetics (formerly Invitae), Labcorp
Classification: Pathogenic. Last evaluated: 2023-03-10. Review status: criteria provided, single submitter. Criteria: Invitae Variant Classification Sherloc (09022015). Collection method: clinical testing. Allele origin: germline.
Comment: For these reasons, this variant has been classified as Pathogenic. This variant has not been reported in the literature in individuals affected with SPEG-related conditions. This variant is not present in population databases (gnomAD no frequency). This sequence change creates a premature translational stop signal (p.Leu2345Cysfs*8) in the SPEG gene. It is expected to result in an absent or disrupted protein product. Loss-of-function variants in SPEG are known to be pathogenic (PMID: 19118250, 25087613).

Literature cited by the submitters: PubMed 19118250; PubMed 25087613.